The following is an entry in ClinVar:

ClinVar aggregate classification (germline): Uncertain significance (1 of 4 stars; one submission).

Submission:

Dasa
Classification: Uncertain significance. Last evaluated: 2026-02-25. Review status: criteria provided, single submitter. Criteria: DASA Assertion Criteria. Collection method: clinical testing. Allele origin: germline.
Comment: NM_006922.4(SCN3A):c.2515C>T (p.Leu839Phe) is a missense variant that results in the substitution of leucine with phenylalanine. This variant is absent from population databases. Computational prediction algorithms are consistent with a deleterious effect. The currently available literature and clinical evidence are not sufficient to establish a definitive association between this variant and the reported condition. Therefore, this variant is classified as a variant of uncertain significance.

NM_006922.4(SCN3A):c.2515C>T (p.Leu839Phe)

Gene: SCN3A (sodium voltage-gated channel alpha subunit 3; minus strand). Cytogenetic location: 2q24.3.
Variant type: single nucleotide variant.
Coding change: c.2515C>T on transcript NM_006922.4 (MANE Select); coding-DNA position 2515, C replaced by T.
Protein change: p.Leu839Phe; replaces leucine 839 with phenylalanine.
Molecular consequence: missense variant.
Genome position (GRCh38, 1-based): chr2:165,131,294, G>A on the plus strand (C>T on the coding strand, the complement: SCN3A is on the minus strand). VCF-style: chr2-165131294-G-A. GRCh37 (hg19) VCF-style: chr2-165987804-G-A.
Other names: c.2368C>T, p.Leu790Phe (NM_001081676.2, NM_001081677.2); short protein forms L790F, L839F.
Identifiers: ClinVar variation 4881865 (VCV004881865.2).